The following is an entry in ClinVar:

ClinVar aggregate classification (germline): Likely pathogenic (1 of 4 stars; one submission).

Submission:

Mayo Clinic Laboratories, Mayo Clinic
Classification: Likely pathogenic. Last evaluated: 2024-11-04. Review status: criteria provided, single submitter. Criteria: ACMG Guidelines, 2015. Collection method: clinical testing. Allele origin: germline. Observed: 1 variant allele.
Comment: PM2_supporting, PS4_moderate, PVS1_strong

Literature cited by the submitters: PubMed 30439768.

NM_000132.4(F8):c.6274-6_6279del

Gene: F8 (coagulation factor VIII; minus strand). Cytogenetic location: Xq28.
Variant type: Deletion.
Coding change: c.6274-6_6279del on transcript NM_000132.4 (MANE Select); 6 bases into the intron before coding-DNA position 6274 through coding-DNA position 6279, 12 bases deleted (TGGTAGGTGGAT).
Molecular consequence: splice acceptor variant.
Genome position (GRCh38, 1-based): chrX:154,896,227-154,896,238, ATCCACCTACCA deleted on the plus strand (TGGTAGGTGGAT on the coding strand, the reverse complement: F8 is on the minus strand); deleting any 12 consecutive bases within chrX:154,896,227-154,896,240 gives the same sequence; the c. name uses the placement nearest the transcript's 3' end. VCF-style (leftmost placement, unchanged base first): chrX-154896226-GATCCACCTACCA-G. GRCh37 (hg19) VCF-style: chrX-154124501-GATCCACCTACCA-G.
Other names: p.?.
Identifiers: ClinVar variation 4542517 (VCV004542517.1).